The following is an entry in ClinVar:

NM_001164277.2(SLC37A4):c.497GCA[3] (p.Ser167dup)

Gene: SLC37A4 (solute carrier family 37 member 4; minus strand). Cytogenetic location: 11q23.3.
Variant type: Microsatellite.
Coding change: c.497GCA[3] on transcript NM_001164277.2 (MANE Select); three copies in a row of the 3-base unit GCA starting at c.497; the reference has two copies in a row; one copy, 3 bases duplicated.
Protein change: p.Ser167dup; duplicates serine 167.
Molecular consequence: inframe insertion.
Genome position (GRCh38, 1-based): chr11:119,027,752-119,027,754, TGC duplicated on the plus strand (GCA on the coding strand, the reverse complement: SLC37A4 is on the minus strand); duplicating any 3 consecutive bases within chr11:119,027,752-119,027,757 gives the same sequence; the position shown is the placement nearest the transcript's 3' end. VCF-style (leftmost placement, unchanged base first): chr11-119027751-G-GTGC. GRCh37 (hg19) VCF-style: chr11-118898461-G-GTGC.
Other names: c.497GCA[3], p.Ser167dup (NM_001164278.2, NM_001164280.2, NM_001467.6); c.278GCA[3], p.Ser94dup (NM_001164279.2).
Identifiers: ClinVar variation 1475868 (VCV001475868.6), dbSNP rs2134637839, ClinGen allele CA2580615097.

ClinVar aggregate classification (germline): Uncertain significance (1 of 4 stars; one submission).

Conditions:
Glucose-6-phosphate transport defect (GSD1B). Also called: Glycogen Storage Disease Type Ib; GSD Ib. Identifiers: Orphanet 364, Orphanet 79259, MedGen C0268146, MONDO:0009288, OMIM 232220.

Submission:

Labcorp Genetics (formerly Invitae), Labcorp
Classification: Uncertain significance for Glucose-6-phosphate transport defect. Last evaluated: 2022-11-01. Review status: criteria provided, single submitter. Criteria: Invitae Variant Classification Sherloc (09022015). Collection method: clinical testing. Allele origin: germline.
Comment: In summary, the available evidence is currently insufficient to determine the role of this variant in disease. Therefore, it has been classified as a Variant of Uncertain Significance. Experimental studies and prediction algorithms are not available or were not evaluated, and the functional significance of this variant is currently unknown. This variant has not been reported in the literature in individuals affected with SLC37A4-related conditions. This variant is not present in population databases (gnomAD no frequency). This variant, c.500_502dup, results in the insertion of 1 amino acid(s) to the SLC37A4 protein (p.Ser167dup), but otherwise preserves the integrity of the reading frame.